The following is an entry in ClinVar:

ClinVar aggregate classification (germline): Uncertain significance (1 of 4 stars; one submission).

Conditions:
Oculofaciocardiodental syndrome (MCOPS2). Identifiers: Orphanet 2712, MedGen C1846265, MONDO:0010261, OMIM 300166.

gnomAD v4.1: 7 of 1,211,395 alleles (0.00058%); highest among the groups gnomAD compares: Admixed American, 0.0022%; no homozygotes.

Submissions (2):

Labcorp Genetics (formerly Invitae), Labcorp
Classification: Uncertain significance for Oculofaciocardiodental syndrome. Last evaluated: 2025-02-13. Review status: criteria provided, single submitter. Criteria: Invitae Variant Classification Sherloc (09022015). Collection method: clinical testing. Allele origin: germline.
Comment: This sequence change replaces alanine, which is neutral and non-polar, with valine, which is neutral and non-polar, at codon 25 of the BCOR protein (p.Ala25Val). This variant is present in population databases (rs757971608, gnomAD 0.004%). This variant has not been reported in the literature in individuals affected with BCOR-related conditions. An algorithm developed to predict the effect of missense changes on protein structure and function (PolyPhen-2) suggests that this variant is likely to be tolerated. Algorithms developed to predict the effect of sequence changes on RNA splicing suggest that this variant may create or strengthen a splice site. In summary, the available evidence is currently insufficient to determine the role of this variant in disease. Therefore, it has been classified as a Variant of Uncertain Significance.

Dr. Peter K. Rogan Lab, Western University
No classification provided (evidence only). Condition: Thyroid cancer, nonmedullary, 1. Review status: no classification provided. Collection method: in vitro. Allele origin: not applicable. Functional consequence: skipped exon. Not counted in ClinVar's aggregate classification.

NM_001123385.2(BCOR):c.74C>T (p.Ala25Val)

Gene: BCOR (BCL6 corepressor; minus strand). Cytogenetic location: Xp11.4.
Variant type: single nucleotide variant.
Coding change: c.74C>T on transcript NM_001123385.2 (MANE Select); coding-DNA position 74, C replaced by T.
Protein change: p.Ala25Val; replaces alanine 25 with valine.
Molecular consequence: missense variant.
Genome position (GRCh38, 1-based): chrX:40,077,856, G>A on the plus strand (C>T on the coding strand, the complement: BCOR is on the minus strand). VCF-style: chrX-40077856-G-A. GRCh37 (hg19) VCF-style: chrX-39937109-G-A.
Other names: NC_000023.10:g.39937109G>A; c.74C>T, p.Ala25Val (NM_001123383.2, NM_001123384.2, NM_001437510.1 and 4 more transcripts); short protein forms A25V.
Identifiers: ClinVar variation 4488288 (VCV004488288.2).
Genomic context (GRCh38, chrX:40,077,856, plus strand): 5'-GCATGGGCGTGGGCTCCACTCAGGCCCGGCCCAGATGGGCGCATTCACCTGTCTTCGCTC[G>A]CCCCACACATGCGGACCCTCTCGCTGTTCATCCAGCTGTGAACGTTCCCATACAGGGGGG-3'
Protein context (NP_001116857.1, residues 15-35): MNSERVRMCG[Ala25Val]SEDRKILVND